The following is an entry in ClinVar:

NM_000094.4(COL7A1):c.6972T>C (p.Gly2324=)

Gene: COL7A1 (collagen type VII alpha 1 chain; minus strand). Cytogenetic location: 3p21.31.
Variant type: single nucleotide variant.
Coding change: c.6972T>C on transcript NM_000094.4 (MANE Select); coding-DNA position 6972, T replaced by C.
Protein change: p.Gly2324=; no amino-acid change (glycine 2324 retained).
Molecular consequence: synonymous variant.
Genome position (GRCh38, 1-based): chr3:48,572,386, A>G on the plus strand (T>C on the coding strand, the complement: COL7A1 is on the minus strand). VCF-style: chr3-48572386-A-G. GRCh37 (hg19) VCF-style: chr3-48609819-A-G.
Other names: c.6972T>C (NM_000094.3).
Identifiers: ClinVar variation 1091571 (VCV001091571.8), dbSNP rs767218959, ClinGen allele CA2378761.

ClinVar aggregate classification (germline): Likely benign. Review status: criteria provided, multiple submitters, no conflicts (2 of 4 stars). 2 submissions from 2 submitters: Likely benign (2). Last evaluated 2025-09-02.

Conditions:
COL7A1-related disorder. Also called: COL7A1-related condition; COL7A1- related disorders.

Allele frequency attached by ClinVar (database versions not stated): ExAC 0.00001; gnomAD 0.00001; TOPMed 0.00001; gnomAD exomes 0.00002 and 0.00006.

Submissions (2):

Labcorp Genetics (formerly Invitae), Labcorp
Classification: Likely benign. Last evaluated: 2025-09-02. Review status: criteria provided, single submitter. Criteria: Invitae Variant Classification Sherloc (09022015). Collection method: clinical testing. Allele origin: germline.

PreventionGenetics, part of Exact Sciences
Classification: Likely benign for COL7A1-related condition. Last evaluated: 2024-12-27. Review status: criteria provided, single submitter. Criteria: ACMG Guidelines, 2015. Collection method: clinical testing. Allele origin: germline.
Comment: This variant is classified as likely benign based on ACMG/AMP sequence variant interpretation guidelines (Richards et al. 2015 PMID: 25741868, with internal and published modifications).